The following is an entry in ClinVar:

NM_004260.4(RECQL4):c.32T>A (p.Leu11Gln)

Genes: RECQL4 (RecQ like helicase 4; minus strand), LOC130001411 (ATAC-STARR-seq lymphoblastoid silent region 19699; plus strand). Cytogenetic location: 8q24.3.
Variant type: single nucleotide variant.
Coding change: c.32T>A on transcript NM_004260.4 (MANE Select); coding-DNA position 32, T replaced by A.
Protein change: p.Leu11Gln; replaces leucine 11 with glutamine.
Molecular consequence: missense variant. On other transcripts: 5 prime UTR variant (17), non-coding transcript variant (3).
Genome position (GRCh38, 1-based): chr8:144,517,753, A>T on the plus strand (T>A on the coding strand, the complement: RECQL4 is on the minus strand). VCF-style: chr8-144517753-A-T. GRCh37 (hg19) VCF-style: chr8-145743137-A-T.
Other names: c.32T>A, p.Leu11Gln (NM_001413017.1, NM_001413018.1, NM_001413019.1 and 6 more transcripts); c.-754T>A (NM_001413021.1); c.-1105T>A (NM_001413022.1, NM_001413023.1, NM_001413037.1 and 2 more transcripts); c.-1002T>A (NM_001413024.1); c.-1102T>A (NM_001413027.1); c.-830T>A (NM_001413028.1); c.-1167T>A (NM_001413030.1, NM_001413031.1, NM_001413041.1); c.-999T>A (NM_001413032.1); and 4 more; short protein forms L11Q.
Identifiers: ClinVar variation 2857101 (VCV002857101.3), dbSNP rs1815439152, ClinGen allele CA372693910.

ClinVar aggregate classification (germline): Uncertain significance (1 of 4 stars; one submission).

Conditions:
Baller-Gerold syndrome (BGS). Also called: CRANIOSYNOSTOSIS WITH RADIAL DEFECTS. Identifiers: Orphanet 1225, MedGen C0265308, MONDO:0009039, OMIM 218600.

Submission:

Labcorp Genetics (formerly Invitae), Labcorp
Classification: Uncertain significance for Baller-Gerold syndrome. Last evaluated: 2023-04-17. Review status: criteria provided, single submitter. Criteria: Invitae Variant Classification Sherloc (09022015). Collection method: clinical testing. Allele origin: germline.
Comment: This variant is not present in population databases (gnomAD no frequency). In summary, the available evidence is currently insufficient to determine the role of this variant in disease. Therefore, it has been classified as a Variant of Uncertain Significance. Experimental studies and prediction algorithms are not available or were not evaluated, and the functional significance of this variant is currently unknown. This variant has not been reported in the literature in individuals affected with RECQL4-related conditions. This sequence change replaces leucine, which is neutral and non-polar, with glutamine, which is neutral and polar, at codon 11 of the RECQL4 protein (p.Leu11Gln).